The following is an entry in ClinVar:

NM_152594.3(SPRED1):c.917A>G (p.Lys306Arg)

Gene: SPRED1 (sprouty related EVH1 domain containing 1; plus strand). Cytogenetic location: 15q14.
Variant type: single nucleotide variant.
Coding change: c.917A>G on transcript NM_152594.3 (MANE Select); coding-DNA position 917, A replaced by G.
Protein change: p.Lys306Arg; replaces lysine 306 with arginine.
Molecular consequence: missense variant.
Genome position (GRCh38, 1-based): chr15:38,351,246, A>G. VCF-style: chr15-38351246-A-G. GRCh37 (hg19) VCF-style: chr15-38643447-A-G.
Other names: short protein forms K306R.
Identifiers: ClinVar variation 950640 (VCV000950640.10), dbSNP rs1888477642, ClinGen allele CA391933541.

ClinVar aggregate classification (germline): Uncertain significance (1 of 4 stars; one submission).

Conditions:
Legius syndrome. Identifiers: Orphanet 137605, MedGen C1969623, MONDO:0012669, OMIM 611431. Disease mechanism: loss of function.

Submission:

Labcorp Genetics (formerly Invitae), Labcorp
Classification: Uncertain significance for Legius syndrome. Last evaluated: 2024-12-16. Review status: criteria provided, single submitter. Criteria: Invitae Variant Classification Sherloc (09022015). Collection method: clinical testing. Allele origin: germline.
Comment: This sequence change replaces lysine, which is basic and polar, with arginine, which is basic and polar, at codon 306 of the SPRED1 protein (p.Lys306Arg). This variant is not present in population databases (gnomAD no frequency). This variant has not been reported in the literature in individuals affected with SPRED1-related conditions. ClinVar contains an entry for this variant (Variation ID: 950640). Invitae Evidence Modeling of protein sequence and biophysical properties (such as structural, functional, and spatial information, amino acid conservation, physicochemical variation, residue mobility, and thermodynamic stability) indicates that this missense variant is not expected to disrupt SPRED1 protein function with a negative predictive value of 80%. In summary, the available evidence is currently insufficient to determine the role of this variant in disease. Therefore, it has been classified as a Variant of Uncertain Significance.